The following is an entry in ClinVar:

NM_020765.3(UBR4):c.5556G>A (p.Val1852=)

Gene: UBR4 (ubiquitin protein ligase E3 component n-recognin 4; minus strand). Cytogenetic location: 1p36.13.
Variant type: single nucleotide variant.
Coding change: c.5556G>A on transcript NM_020765.3 (MANE Select); coding-DNA position 5556, G replaced by A.
Protein change: p.Val1852=; no amino-acid change (valine 1852 retained).
Molecular consequence: synonymous variant.
Genome position (GRCh38, 1-based): chr1:19,160,132, C>T on the plus strand (G>A on the coding strand, the complement: UBR4 is on the minus strand). VCF-style: chr1-19160132-C-T. GRCh37 (hg19) VCF-style: chr1-19486626-C-T.
Identifiers: ClinVar variation 3036219 (VCV003036219.2), dbSNP rs757200634, ClinGen allele CA650528.
Genomic context (GRCh38, chr1:19,160,132, plus strand): 5'-TCCCACAGCCACCAAACATCATGGCCCCAAGACACTCACCATCAGCTGGTCTGTCATCTC[C>T]ACTGCCTTCTCCACAGTGTGTAGCTCACTGAGGGCTTGCTGAGCACGGCTGCTGCTCCCG-3'
Protein context (NP_065816.2, residues 1842-1862): LSELHTVEKA[Val1852=]EMTDQLMVPT

ClinVar aggregate classification (germline): Likely benign (0 of 4 stars; one submission).

Conditions:
UBR4-related disorder. Also called: UBR4-related condition.

Allele frequency attached by ClinVar (database versions not stated): gnomAD 0.00001.
gnomAD v4.1: 38 of 1,612,730 alleles (0.0024%); highest among the groups gnomAD compares: Admixed American, 0.042%; no homozygotes.

Submission:

PreventionGenetics, part of Exact Sciences
Classification: Likely benign for UBR4-related condition. Last evaluated: 2022-01-17. Review status: no assertion criteria provided. Collection method: clinical testing. Allele origin: germline.
Comment: This variant is classified as likely benign based on ACMG/AMP sequence variant interpretation guidelines (Richards et al. 2015 PMID: 25741868, with internal and published modifications).